The following is an entry in ClinVar:

NM_001256012.3(MYH10):c.2017G>T (p.Ala673Ser)

Gene: MYH10 (myosin heavy chain 10; minus strand). Cytogenetic location: 17p13.1.
Variant type: single nucleotide variant.
Coding change: c.2017G>T on transcript NM_001256012.3 (MANE Select); coding-DNA position 2017, G replaced by T.
Protein change: p.Ala673Ser; replaces alanine 673 with serine.
Molecular consequence: missense variant.
Genome position (GRCh38, 1-based): chr17:8,521,226, C>A on the plus strand (G>T on the coding strand, the complement: MYH10 is on the minus strand). VCF-style: chr17-8521226-C-A. GRCh37 (hg19) VCF-style: chr17-8424544-C-A.
Other names: c.1951G>T, p.Ala651Ser (NM_001256095.2); c.1954G>T, p.Ala652Ser (NM_001375266.1); c.1924G>T, p.Ala642Ser (NM_005964.5); short protein forms A642S, A651S, A652S, A673S.
Identifiers: ClinVar variation 2631567 (VCV002631567.1), dbSNP rs1022810378, ClinGen allele CA398041424.

ClinVar aggregate classification (germline): Uncertain significance (1 of 4 stars; one submission).

Conditions:
MYH10-related disorder. Also called: MYH10-related condition.

Submission:

PreventionGenetics, part of Exact Sciences
Classification: Uncertain significance for MYH10-related condition. Last evaluated: 2023-08-08. Review status: criteria provided, single submitter. Criteria: ACMG Guidelines, 2015. Collection method: clinical testing. Allele origin: germline.
Comment: The MYH10 c.2017G>T variant is predicted to result in the amino acid substitution p.Ala673Ser. To our knowledge, this variant has not been reported in the literature or in a large population database, indicating this variant is rare. Although we suspect that this variant may be pathogenic, at this time, the clinical significance of this variant is uncertain due to the absence of conclusive functional and genetic evidence.